The following is an entry in ClinVar:

NM_024649.5(BBS1):c.27C>A (p.Ser9=)

Gene: BBS1 (Bardet-Biedl syndrome 1; plus strand). Cytogenetic location: 11q13.2.
Variant type: single nucleotide variant.
Coding change: c.27C>A on transcript NM_024649.5 (MANE Select); coding-DNA position 27, C replaced by A.
Protein change: p.Ser9=; no amino-acid change (serine 9 retained).
Molecular consequence: synonymous variant.
Genome position (GRCh38, 1-based): chr11:66,510,686, C>A. VCF-style: chr11-66510686-C-A. GRCh37 (hg19) VCF-style: chr11-66278157-C-A.
Identifiers: ClinVar variation 4977353 (VCV004977353.1).
Genomic context (GRCh38, chr11:66,510,686, plus strand): 5'-GGCGGGGCCGGTTGCCAGGACGACGCCTGCGAAGATGGCCGCTGCGTCCTCATCGGATTC[C>A]GACGCCTGCGGAGCTGAGAGGTGAAGGCAGGGCTCCTCAAGGCCTCTTTTCCCACCCGTG-3'
Protein context (NP_078925.3, residues 1-19): MAAASSSD[Ser9=]DACGAESNEA

ClinVar aggregate classification (germline): Likely benign (1 of 4 stars; one submission).

Conditions:
BBS1-related disorder. Also called: BBS1-related condition.

gnomAD v4.1: 15 of 1,614,198 alleles (0.00093%); highest among the groups gnomAD compares: Non-Finnish European, 0.0012%; no homozygotes.

Submission:

PreventionGenetics, part of Exact Sciences
Classification: Likely benign for BBS1-related condition. Last evaluated: 2025-04-07. Review status: criteria provided, single submitter. Criteria: ACMG Guidelines, 2015. Collection method: clinical testing. Allele origin: germline.
Comment: This variant is classified as likely benign based on ACMG/AMP sequence variant interpretation guidelines (Richards et al. 2015 PMID: 25741868, with internal and published modifications).